The following is an entry in ClinVar:

ClinVar aggregate classification (germline): Uncertain significance (1 of 4 stars; one submission).

Submission:

Labcorp Genetics (formerly Invitae), Labcorp
Classification: Uncertain significance. Last evaluated: 2024-04-25. Review status: criteria provided, single submitter. Criteria: Invitae Variant Classification Sherloc (09022015). Collection method: clinical testing. Allele origin: germline.
Comment: This sequence change replaces methionine, which is neutral and non-polar, with leucine, which is neutral and non-polar, at codon 1069 of the ABL1 protein (p.Met1069Leu). This variant is not present in population databases (gnomAD no frequency). This variant has not been reported in the literature in individuals affected with ABL1-related conditions. Advanced modeling of protein sequence and biophysical properties (such as structural, functional, and spatial information, amino acid conservation, physicochemical variation, residue mobility, and thermodynamic stability) performed at Invitae indicates that this missense variant is not expected to disrupt ABL1 protein function with a negative predictive value of 95%. In summary, the available evidence is currently insufficient to determine the role of this variant in disease. Therefore, it has been classified as a Variant of Uncertain Significance.

NM_005157.6(ABL1):c.3148A>T (p.Met1050Leu)

Gene: ABL1 (ABL proto-oncogene 1, non-receptor tyrosine kinase; plus strand). Cytogenetic location: 9q34.12.
Variant type: single nucleotide variant.
Coding change: c.3148A>T on transcript NM_005157.6 (MANE Select); coding-DNA position 3148, A replaced by T.
Protein change: p.Met1050Leu; replaces methionine 1050 with leucine.
Molecular consequence: missense variant.
Genome position (GRCh38, 1-based): chr9:130,885,438, A>T. VCF-style: chr9-130885438-A-T. GRCh37 (hg19) VCF-style: chr9-133760825-A-T.
Other names: c.3205A>T, p.Met1069Leu (NM_007313.3); short protein forms M1050L, M1069L.
Identifiers: ClinVar variation 3676183 (VCV003676183.2).